The following is an entry in ClinVar:

ClinVar aggregate classification (germline): Pathogenic (1 of 4 stars; one submission).

Submission:

GeneDx
Classification: Pathogenic. Last evaluated: 2017-12-20. Review status: criteria provided, single submitter. Criteria: GeneDx Variant Classification (06012015). Collection method: clinical testing. Allele origin: germline. Affected: yes.
Comment: This deletion of one nucleotide in APC is denoted c.1336delA at the cDNA level and p.Ile446SerfsX8 (I446SfsX8) at the protein level. The normal sequence, with the base that is deleted in brackets, is TCAG[delA]TCTG. The deletion causes a frameshift which changes an Isoleucine to a Serine at codon 446, and creates a premature stop codon at position 8 of the new reading frame. Although this variant has not, to our knowledge, been reported in the literature, it is predicted to cause loss of normal protein function through either protein truncation or nonsense-mediated mRNA decay. Based on currently available evidence, we consider this variant to be pathogenic.

NM_000038.6(APC):c.1336del (p.Ile446fs)

Gene: APC (APC regulator of WNT signaling pathway; plus strand). Cytogenetic location: 5q22.2.
Variant type: Deletion.
Coding change: c.1336del on transcript NM_000038.6 (MANE Select); coding-DNA position 1336, one base deleted (A; older notation c.1336delA).
Protein change: p.Ile446fs; shifts the reading frame from isoleucine 446.
Molecular consequence: frameshift variant.
Genome position (GRCh38, 1-based): chr5:112,821,919, A deleted. VCF-style (leftmost placement, unchanged base first): chr5-112821918-GA-G. GRCh37 (hg19) VCF-style: chr5-112157615-GA-G.
Other names: c.1336del, p.Ile446fs (NM_001127510.3, NM_001354895.2, NM_001354896.2); c.1282del, p.Ile428fs (NM_001127511.3); c.1366del, p.Ile456fs (NM_001354897.2); c.1261del, p.Ile421fs (NM_001354898.2); c.1252del, p.Ile418fs (NM_001354899.2); c.1159del, p.Ile387fs (NM_001354900.2, NM_001354901.2); c.1063del, p.Ile355fs (NM_001354902.2); c.1033del, p.Ile345fs (NM_001354903.2); and 3 more; short protein forms I345fs, I418fs, I428fs, I446fs, I286fs, I320fs, I387fs, I163fs.
Identifiers: ClinVar variation 545852 (VCV000545852.2), dbSNP rs1554080688, ClinGen allele CA658823328.